The following is an entry in ClinVar:

ClinVar aggregate classification (germline): Conflicting classifications of pathogenicity. Review status: criteria provided, conflicting classifications (1 of 4 stars). 2 submissions from 2 submitters: Uncertain significance (1); Likely benign (1). Last evaluated 2024-05-31.

Allele frequency attached by ClinVar (database versions not stated): gnomAD 0.00005; TOPMed 0.00005; ExAC 0.00008; gnomAD exomes 0.00009.
gnomAD v4.1: 154 of 1,604,866 alleles (0.0096%); highest among the groups gnomAD compares: South Asian, 0.027%; no homozygotes.

Submissions (2):

Labcorp Genetics (formerly Invitae), Labcorp
Classification: Uncertain significance. Last evaluated: 2024-05-31. Review status: criteria provided, single submitter. Criteria: Invitae Variant Classification Sherloc (09022015). Collection method: clinical testing. Allele origin: germline.
Comment: This sequence change replaces serine, which is neutral and polar, with threonine, which is neutral and polar, at codon 89 of the NAF1 protein (p.Ser89Thr). This variant is present in population databases (rs774610958, gnomAD 0.02%). This variant has not been reported in the literature in individuals affected with NAF1-related conditions. ClinVar contains an entry for this variant (Variation ID: 2378833). Algorithms developed to predict the effect of missense changes on protein structure and function output the following: SIFT: "Not Available"; PolyPhen-2: "Benign"; Align-GVGD: "Not Available". The threonine amino acid residue is found in multiple mammalian species, which suggests that this missense change does not adversely affect protein function. In summary, the available evidence is currently insufficient to determine the role of this variant in disease. Therefore, it has been classified as a Variant of Uncertain Significance.

Ambry Genetics
Classification: Likely benign. Last evaluated: 2022-01-10. Review status: criteria provided, single submitter. Criteria: Ambry Variant Classification Scheme 2023. Collection method: clinical testing. Allele origin: germline.

NM_138386.3(NAF1):c.265T>A (p.Ser89Thr)

Gene: NAF1 (nuclear assembly factor 1 ribonucleoprotein; minus strand). Cytogenetic location: 4q32.2.
Variant type: single nucleotide variant.
Coding change: c.265T>A on transcript NM_138386.3 (MANE Select); coding-DNA position 265, T replaced by A.
Protein change: p.Ser89Thr; replaces serine 89 with threonine.
Molecular consequence: missense variant.
Genome position (GRCh38, 1-based): chr4:163,166,463, A>T on the plus strand (T>A on the coding strand, the complement: NAF1 is on the minus strand). VCF-style: chr4-163166463-A-T. GRCh37 (hg19) VCF-style: chr4-164087615-A-T.
Other names: c.265T>A, p.Ser89Thr (NM_001128931.2); c.265T>A (NM_138386.2); short protein forms S89T.
Identifiers: ClinVar variation 2378833 (VCV002378833.8), dbSNP rs774610958, ClinGen allele CA3126438.